The following is an entry in ClinVar:

ClinVar aggregate classification (germline): Pathogenic (1 of 4 stars; one submission).

Conditions:
Dilated cardiomyopathy 1M (CMD1M). Identifiers: Orphanet 154, MedGen C1843808, MONDO:0011840, OMIM 607482.
Hypertrophic cardiomyopathy 12. Identifiers: MedGen C2677491, MONDO:0012804, OMIM 612124.

Submission:

Labcorp Genetics (formerly Invitae), Labcorp
Classification: Pathogenic for Hypertrophic cardiomyopathy 12; Dilated cardiomyopathy 1M. Last evaluated: 2024-06-19. Review status: criteria provided, single submitter. Criteria: Invitae Variant Classification Sherloc (09022015). Collection method: clinical testing. Allele origin: germline.
Comment: This sequence change results in a frameshift in the CSRP3 gene (p.Lys9Asnfs*199). While this is not anticipated to result in nonsense mediated decay, it is expected to disrupt the last 186 amino acid(s) of the CSRP3 protein and extend the protein by 12 additional amino acid residues. This variant is not present in population databases (gnomAD no frequency). This variant has not been reported in the literature in individuals affected with CSRP3-related conditions. This variant disrupts a region of the CSRP3 protein in which other variant(s) (p.Cys150Tyr) have been determined to be pathogenic (PMID: 23396983, 25351510, 33035702; Invitae). This suggests that this is a clinically significant region of the protein, and that variants that disrupt it are likely to be disease-causing. For these reasons, this variant has been classified as Pathogenic.

Literature cited by the submitters: PubMed 23396983; PubMed 25351510; PubMed 33035702.

NM_003476.5(CSRP3):c.27del (p.Lys9fs)

Gene: CSRP3 (cysteine and glycine rich protein 3; minus strand). Cytogenetic location: 11p15.1.
Variant type: Deletion.
Coding change: c.27del on transcript NM_003476.5 (MANE Select); coding-DNA position 27, one base deleted (A; older notation c.27delA).
Protein change: p.Lys9fs; shifts the reading frame from lysine 9.
Molecular consequence: frameshift variant.
Genome position (GRCh38, 1-based): chr11:19,192,422, T deleted on the plus strand (A on the coding strand, the reverse complement: CSRP3 is on the minus strand); the first of 4 consecutive T bases (chr11:19,192,422-19,192,425); deleting any one gives the same sequence. VCF-style (leftmost placement, unchanged base first): chr11-19192421-AT-A. GRCh37 (hg19) VCF-style: chr11-19213968-AT-A.
Other names: c.27del, p.Lys9fs (NM_001369404.1); short protein forms K9fs.
Identifiers: ClinVar variation 3764079 (VCV003764079.2).